The following is an entry in ClinVar:

ClinVar aggregate classification (germline): Uncertain significance (1 of 4 stars; one submission).

Conditions:
Hereditary cancer-predisposing syndrome. Also called: Neoplastic Syndromes, Hereditary; Hereditary neoplastic syndrome; Tumor predisposition; Hereditary Cancer Syndrome. Identifiers: Orphanet 140162, MedGen C0027672, MeSH D009386, MONDO:0015356.

Submission:

Ambry Genetics
Classification: Uncertain significance for Hereditary cancer-predisposing syndrome. Last evaluated: 2023-02-16. Review status: criteria provided, single submitter. Criteria: Ambry Variant Classification Scheme 2023. Collection method: clinical testing. Allele origin: germline.
Comment: The p.P949S variant (also known as c.2845C>T), located in coding exon 21 of the KIT gene, results from a C to T substitution at nucleotide position 2845. The proline at codon 949 is replaced by serine, an amino acid with similar properties. This amino acid position is conserved. In addition, this alteration is predicted to be tolerated by in silico analysis. Since supporting evidence is limited at this time, the clinical significance of this alteration remains unclear.

NM_000222.3(KIT):c.2845C>T (p.Pro949Ser)

Gene: KIT (KIT proto-oncogene, receptor tyrosine kinase; plus strand). Cytogenetic location: 4q12.
Variant type: single nucleotide variant.
Coding change: c.2845C>T on transcript NM_000222.3 (MANE Select); coding-DNA position 2845, C replaced by T.
Protein change: p.Pro949Ser; replaces proline 949 with serine.
Molecular consequence: missense variant.
Genome position (GRCh38, 1-based): chr4:54,738,471, C>T. VCF-style: chr4-54738471-C-T. GRCh37 (hg19) VCF-style: chr4-55604637-C-T.
Other names: c.2833C>T, p.Pro945Ser (NM_001093772.2, NM_001385292.1); c.2848C>T, p.Pro950Ser (NM_001385284.1); c.2842C>T, p.Pro948Ser (NM_001385285.1); c.2830C>T, p.Pro944Ser (NM_001385286.1); c.2836C>T, p.Pro946Ser (NM_001385288.1); c.2845C>T, p.Pro949Ser (NM_001385290.1); short protein forms P945S, P944S, P949S, P950S, P946S, P948S.
Identifiers: ClinVar variation 2454111 (VCV002454111.2), dbSNP rs2109818598, ClinGen allele CA356916046.